The following is an entry in ClinVar:

NM_001297.5(CNGB1):c.2304+6A>G

Gene: CNGB1 (cyclic nucleotide gated channel subunit beta 1; minus strand). Cytogenetic location: 16q21.
Variant type: single nucleotide variant.
Coding change: c.2304+6A>G on transcript NM_001297.5 (MANE Select); 6 bases into the intron after coding-DNA position 2304, A replaced by G.
Molecular consequence: intron variant.
Genome position (GRCh38, 1-based): chr16:57,915,243, T>C on the plus strand (A>G on the coding strand, the complement: CNGB1 is on the minus strand). VCF-style: chr16-57915243-T-C. GRCh37 (hg19) VCF-style: chr16-57949147-T-C.
Other names: c.2286+6A>G (NM_001286130.2).
Identifiers: ClinVar variation 956239 (VCV000956239.8), dbSNP rs201809716, ClinGen allele CA8083076.
Genomic context (GRCh38, chr16:57,915,243, plus strand): 5'-GATGCCAGTGTCGGTGCAGAGCAGGGATGAGCTGAAGGCCTGGGGTGGTGGGCCCAGCAG[T>C]CCTACCTTTAAACAGCGGGGCAGGCGGAGGAGGGGGTTCACACCGACTTTCAAATAGAGA-3'

ClinVar aggregate classification (germline): Uncertain significance (1 of 4 stars; one submission).

Allele frequency attached by ClinVar (database versions not stated): gnomAD exomes below 0.00001 and 0.00001; TOPMed below 0.00001; ExAC 0.00001; 1000 Genomes Project 30x 0.00016; 1000 Genomes Project 0.00020.
gnomAD v4.1: 9 of 1,611,954 alleles (0.00056%); highest among the groups gnomAD compares: African/African-American, 0.008%; no homozygotes.

Submission:

Labcorp Genetics (formerly Invitae), Labcorp
Classification: Uncertain significance. Last evaluated: 2023-11-13. Review status: criteria provided, single submitter. Criteria: Invitae Variant Classification Sherloc (09022015). Collection method: clinical testing. Allele origin: germline.
Comment: This sequence change falls in intron 23 of the CNGB1 gene. It does not directly change the encoded amino acid sequence of the CNGB1 protein. It affects a nucleotide within the consensus splice site. This variant is present in population databases (rs201809716, gnomAD 0.007%). This variant has not been reported in the literature in individuals affected with CNGB1-related conditions. ClinVar contains an entry for this variant (Variation ID: 956239). Variants that disrupt the consensus splice site are a relatively common cause of aberrant splicing (PMID: 17576681, 9536098). Algorithms developed to predict the effect of sequence changes on RNA splicing suggest that this variant is not likely to affect RNA splicing. In summary, the available evidence is currently insufficient to determine the role of this variant in disease. Therefore, it has been classified as a Variant of Uncertain Significance.

Literature cited by the submitters: PubMed 17576681; PubMed 9536098.